The following is an entry in ClinVar:

NM_001101426.4(CRPPA):c.*2488G>A

Gene: CRPPA (CDP-L-ribitol pyrophosphorylase A; minus strand). Cytogenetic location: 7p21.2.
Variant type: single nucleotide variant.
Coding change: c.*2488G>A on transcript NM_001101426.4 (MANE Select); 2488 bases downstream of the stop codon, G replaced by A.
Molecular consequence: 3 prime UTR variant. On other transcripts: non-coding transcript variant (1).
Genome position (GRCh38, 1-based): chr7:16,089,207, C>T on the plus strand (G>A on the coding strand, the complement: CRPPA is on the minus strand). VCF-style: chr7-16089207-C-T. GRCh37 (hg19) VCF-style: chr7-16128832-C-T.
Other names: c.*2488G>A (NM_001101417.4, NM_001368197.1).
Identifiers: ClinVar variation 359516 (VCV000359516.5), dbSNP rs753515691, ClinGen allele CA4169231.

ClinVar aggregate classification (germline): Likely benign (1 of 4 stars; one submission).

Conditions:
Congenital Muscular Dystrophy, alpha-dystroglycan related.

Allele frequency attached by ClinVar (database versions not stated): gnomAD exomes 0.00011 and 0.00012; ExAC 0.00065; gnomAD 0.00077 and 0.00080.
gnomAD v4.1: 138 of 346,940 alleles (0.04%); highest among the groups gnomAD compares: Middle Eastern, 0.29%; 1 homozygote.

Submission:

Illumina Laboratory Services, Illumina
Classification: Likely benign for Congenital Muscular Dystrophy, alpha-dystroglycan related. Last evaluated: 2018-01-13. Review status: criteria provided, single submitter. Criteria: ICSL Variant Classification Criteria 13 December 2019. Collection method: clinical testing. Allele origin: germline.
Comment: This variant was observed in the ICSL laboratory as part of a predisposition screen in an ostensibly healthy population. It had not been previously curated by ICSL or reported in the Human Gene Mutation Database (HGMD: prior to June 1st, 2018), and was therefore a candidate for classification through an automated scoring system. Utilizing variant allele frequency, disease prevalence and penetrance estimates, and inheritance mode, an automated score was calculated to assess if this variant is too frequent to cause the disease. Based on the score and internal cut-off values, a variant classified as likely benign is not then subjected to further curation. The score for this variant resulted in a classification of likely benign for this disease.